The following is an entry in ClinVar:

NM_002454.3(MTRR):c.228dup (p.Gln77fs)

Gene: MTRR (5-methyltetrahydrofolate-homocysteine methyltransferase reductase; plus strand). Cytogenetic location: 5p15.31.
Variant type: Duplication.
Coding change: c.228dup on transcript NM_002454.3 (MANE Select); coding-DNA position 228, one base duplicated (A; older notation c.228dupA).
Protein change: p.Gln77fs; shifts the reading frame from glutamine 77.
Molecular consequence: frameshift variant. On other transcripts: non-coding transcript variant (8).
Genome position (GRCh38, 1-based): chr5:7,873,471, A duplicated. VCF-style (leftmost placement, unchanged base first): chr5-7873470-T-TA. GRCh37 (hg19) VCF-style: chr5-7873583-T-TA.
Other names: c.228dup, p.Gln77fs (NM_001364440.2, NM_001364441.2, NM_001364442.2 and 1 more transcripts); short protein forms Q77fs.
Identifiers: ClinVar variation 1452568 (VCV001452568.4), dbSNP rs2126663415, ClinGen allele CA2573139600.
Genomic context (GRCh38, chr5:7,873,470, plus strand): 5'-TGGTTTCTACCACGGGCACCGGAGACCCACCCGACACAGCCCGCAAGTTTGTTAAGGAAA[T>TA]ACAGAACCAAACACTGCCGGTTGATTTCTTTGCTCACCTGCGGTATGGGTTACTGGGTAA-3'

ClinVar aggregate classification (germline): Pathogenic (1 of 4 stars; one submission).

Conditions:
Methylcobalamin deficiency type cblE (HMAE). Also called: HOMOCYSTINURIA-MEGALOBLASTIC ANEMIA, cblE COMPLEMENTATION TYPE; VITAMIN B12-RESPONSIVE HOMOCYSTINURIA, cblE TYPE; HOMOCYSTINURIA-MEGALOBLASTIC ANEMIA, cblE TYPE. Identifiers: Orphanet 2169, Orphanet 622, MedGen C1856057, MONDO:0009354, OMIM 236270.

Allele frequency attached by ClinVar (database versions not stated): gnomAD exomes below 0.00001.

Submission:

Labcorp Genetics (formerly Invitae), Labcorp
Classification: Pathogenic for Methylcobalamin deficiency type cblE. Last evaluated: 2021-08-17. Review status: criteria provided, single submitter. Criteria: Invitae Variant Classification Sherloc (09022015). Collection method: clinical testing. Allele origin: germline.
Comment: This sequence change creates a premature translational stop signal (p.Gln77Thrfs*8) in the MTRR gene. It is expected to result in an absent or disrupted protein product. Loss-of-function variants in MTRR are known to be pathogenic (PMID: 15714522). This variant is not present in population databases (ExAC no frequency). This variant has not been reported in the literature in individuals affected with MTRR-related conditions. For these reasons, this variant has been classified as Pathogenic.

Literature cited by the submitters: PubMed 15714522.